The following is an entry in ClinVar:

NM_000237.3(LPL):c.8G>A (p.Ser3Asn)

Gene: LPL (lipoprotein lipase; plus strand). Cytogenetic location: 8p21.3.
Variant type: single nucleotide variant.
Coding change: c.8G>A on transcript NM_000237.3 (MANE Select); coding-DNA position 8, G replaced by A.
Protein change: p.Ser3Asn; replaces serine 3 with asparagine.
Molecular consequence: missense variant.
Genome position (GRCh38, 1-based): chr8:19,939,448, G>A. VCF-style: chr8-19939448-G-A. GRCh37 (hg19) VCF-style: chr8-19796959-G-A.
Other names: short protein forms S3N.
Identifiers: ClinVar variation 1704488 (VCV001704488.8), dbSNP rs367592716, ClinGen allele CA4655259.

ClinVar aggregate classification (germline): Uncertain significance. Review status: criteria provided, multiple submitters, no conflicts (2 of 4 stars). 4 submissions from 4 submitters: Uncertain significance (4). Last evaluated 2026-03-30.

Conditions:
Cardiovascular phenotype. Identifiers: MedGen CN230736.
LPL-related disorder. Also called: LPL-related condition.
Hyperlipoproteinemia, type I. Also called: Lipoprotein Lipase Deficiency; Familial hyperlipo-proteinemia type 1; Hyperlipemia essential familial; HYPERLIPOPROTEINEMIA, TYPE IA; LPL DEFICIENCY; Lipase D deficiency. Identifiers: Orphanet 309015, Orphanet 444490, MedGen C0023817, MONDO:0009387, OMIM 238600. Disease mechanism: loss of function.
Hyperlipidemia, familial combined, LPL related (FCHL3). Also called: Hyperapobetalipoproteinemia. Identifiers: MedGen C0020474, MONDO:0007759, OMIM 144250, HP:0008158.

Allele frequency attached by ClinVar (database versions not stated): gnomAD exomes 0.00002; gnomAD 0.00005; TOPMed 0.00007; ExAC 0.00011.
gnomAD v4.1: 85 of 1,609,644 alleles (0.0053%); highest among the groups gnomAD compares: East Asian, 0.069%; no homozygotes.

Submissions (4):

PreventionGenetics, part of Exact Sciences
Classification: Uncertain significance for LPL-related condition. Last evaluated: 2026-03-30. Review status: criteria provided, single submitter. Criteria: ACMG Guidelines, 2015. Collection method: clinical testing. Allele origin: germline.
Comment: The LPL c.8G>A variant is predicted to result in the amino acid substitution p.Ser3Asn. This variant has been reported in a cohort study with hypertriglyceridemia (Table S2, Deshotels et al. 2022. PubMed ID: 36325899). This variant is reported in 0.12% of alleles in individuals of East Asian descent in gnomAD. Although we suspect that this variant may be benign, at this time, the clinical significance of this variant is uncertain due to the absence of conclusive functional and genetic evidence.

Women's Health and Genetics/Laboratory Corporation of America, LabCorp
Classification: Uncertain significance. Last evaluated: 2025-04-11. Review status: criteria provided, single submitter. Criteria: LabCorp Variant Classification Summary - May 2015. Collection method: clinical testing. Allele origin: germline.
Comment: Variant summary: LPL c.8G>A (p.Ser3Asn) results in a conservative amino acid change in the encoded protein sequence. Three of four in-silico tools predict a benign effect of the variant on protein function. The variant allele was found at a frequency of 0.0001 in 238886 control chromosomes (gnomAD). This frequency is not significantly higher than estimated for a pathogenic variant in LPL causing Familial Lipoprotein Lipase Deficiency (0.0001 vs 0.0034), allowing no conclusion about variant significance. c.8G>A has been observed in at least an individual who underwent genetic testing for dyslipidemia (Deshotels_2022). This report, however, does not provide unequivocal conclusions about association of the variant with Familial Lipoprotein Lipase Deficiency. To our knowledge, no experimental evidence demonstrating an impact on protein function has been reported. The following publication has been ascertained in the context of this evaluation (PMID: 36325899). ClinVar contains an entry for this variant (Variation ID: 1704488). Based on the evidence outlined above, the variant was classified as uncertain significance.

Ambry Genetics
Classification: Uncertain significance for Cardiovascular phenotype. Last evaluated: 2025-03-24. Review status: criteria provided, single submitter. Criteria: Ambry Variant Classification Scheme 2023. Collection method: clinical testing. Allele origin: germline.
Comment: The p.S3N variant (also known as c.8G>A), located in coding exon 1 of the LPL gene, results from a G to A substitution at nucleotide position 8. The serine at codon 3 is replaced by asparagine, an amino acid with highly similar properties. This amino acid position is well conserved in available vertebrate species. In addition, this alteration is predicted to be tolerated by in silico analysis. Since supporting evidence is limited at this time, the clinical significance of this alteration remains unclear.

Department of Pathology and Laboratory Medicine, Sinai Health System
Classification: Uncertain significance for Hyperlipidemia, familial combined, LPL related; Hyperlipoproteinemia, type I. Last evaluated: 2021-07-30. Review status: criteria provided, single submitter. Criteria: ACMG Guidelines, 2015. Collection method: research. Allele origin: germline.

Literature cited by the submitters: PubMed 36325899 (cited by Women's Health and Genetics/Laboratory Corporation of America, LabCorp).